The following is an entry in ClinVar:

ClinVar aggregate classification (germline): Pathogenic. Review status: criteria provided, multiple submitters, no conflicts (2 of 4 stars). 2 submissions from 2 submitters: Pathogenic (2). Last evaluated 2024-07-30.

Conditions:
Combined molybdoflavoprotein enzyme deficiency (MOCOD). Also called: Molybdenum cofactor deficiency; Combined deficiency of sulfite oxidase, xanthine dehydrogenase, and aldehyde oxidase; Sulfite oxidase deficiency due to molybdenum cofactor deficiency. Identifiers: Orphanet 833, Orphanet 99732, MedGen C0268119, MONDO:0020480, HP:0003570.

Allele frequency attached by ClinVar (database versions not stated): gnomAD exomes below 0.00001; TOPMed below 0.00001.
gnomAD v4.1: 2 of 1,613,636 alleles (0.00012%); highest among the groups gnomAD compares: African/African-American, 0.0013%; no homozygotes.

Submissions (2):

Women's Health and Genetics/Laboratory Corporation of America, LabCorp
Classification: Pathogenic for Combined molybdoflavoprotein enzyme deficiency. Last evaluated: 2024-07-30. Review status: criteria provided, single submitter. Criteria: LabCorp Variant Classification Summary - May 2015. Collection method: clinical testing. Allele origin: germline.
Comment: Variant summary: MOCS2 c.304G>T (p.Glu102X) results in a premature termination codon, predicted to cause a truncation of the encoded protein or absence of the protein due to nonsense mediated decay, which are commonly known mechanisms for disease. The variant was absent in 251308 control chromosomes. To our knowledge, no occurrence of c.304G>T in individuals affected with Molybdenum Cofactor Deficiency and no experimental evidence demonstrating its impact on protein function have been reported. ClinVar contains an entry for this variant (Variation ID: 2902469). Based on the evidence outlined above, the variant was classified as pathogenic.

Labcorp Genetics (formerly Invitae), Labcorp
Classification: Pathogenic. Last evaluated: 2023-06-15. Review status: criteria provided, single submitter. Criteria: Invitae Variant Classification Sherloc (09022015). Collection method: clinical testing. Allele origin: germline.
Comment: For these reasons, this variant has been classified as Pathogenic. Algorithms developed to predict the effect of sequence changes on RNA splicing suggest that this variant may disrupt the consensus splice site. This variant has not been reported in the literature in individuals affected with MOCS2B-related conditions. This variant is not present in population databases (gnomAD no frequency). This sequence change creates a premature translational stop signal (p.Glu102*) in the MOCS2B gene. It is expected to result in an absent or disrupted protein product. Loss-of-function variants in MOCS2B are known to be pathogenic (PMID: 21031595).

Literature cited by the submitters: PubMed 21031595 (cited by Labcorp Genetics (formerly Invitae), Labcorp).

NM_004531.5(MOCS2):c.304G>T (p.Glu102Ter)

Gene: MOCS2 (molybdenum cofactor synthesis 2; minus strand). Cytogenetic location: 5q11.2.
Variant type: single nucleotide variant.
Coding change: c.304G>T on transcript NM_004531.5 (MANE Select); coding-DNA position 304, G replaced by T.
Protein change: p.Glu102Ter; replaces glutamic acid 102 with a stop codon.
Molecular consequence: nonsense. On other transcripts: 3 prime UTR variant (1).
Genome position (GRCh38, 1-based): chr5:53,101,432, C>A on the plus strand (G>T on the coding strand, the complement: MOCS2 is on the minus strand). VCF-style: chr5-53101432-C-A. GRCh37 (hg19) VCF-style: chr5-52397262-C-A.
Other names: c.*224G>T (NM_176806.4); c.304G>T, p.Glu102Ter (NM_183418.1); short protein forms E102*.
Identifiers: ClinVar variation 2902469 (VCV002902469.4), dbSNP rs1740904060, ClinGen allele CA359693142.